The following is an entry in ClinVar:

ClinVar aggregate classification (germline): Likely benign (0 of 4 stars; one submission).

Conditions:
ACKR1-related disorder. Also called: ACKR1-related condition.

Allele frequency attached by ClinVar (database versions not stated): gnomAD 0.00001.
gnomAD v4.1: 20 of 1,590,920 alleles (0.0013%); highest among the groups gnomAD compares: Non-Finnish European, 0.0017%; no homozygotes.

Submission:

PreventionGenetics, part of Exact Sciences
Classification: Likely benign for ACKR1-related condition. Last evaluated: 2019-04-25. Review status: no assertion criteria provided. Collection method: clinical testing. Allele origin: germline.
Comment: This variant is classified as likely benign based on ACMG/AMP sequence variant interpretation guidelines (Richards et al. 2015 PMID: 25741868, with internal and published modifications).

NM_002036.4(ACKR1):c.-74G>A

Gene: ACKR1 (atypical chemokine receptor 1 (Duffy blood group); plus strand). Cytogenetic location: 1q23.2.
Variant type: single nucleotide variant.
Coding change: c.-74G>A on transcript NM_002036.4 (MANE Select); 74 bases upstream of the start codon, G replaced by A.
Molecular consequence: 5 prime UTR variant.
Genome position (GRCh38, 1-based): chr1:159,204,886, G>A. VCF-style: chr1-159204886-G-A. GRCh37 (hg19) VCF-style: chr1-159174676-G-A.
Other names: c.-118G>A (NM_001122951.3).
Identifiers: ClinVar variation 3057672 (VCV003057672.2), dbSNP rs1336591035, ClinGen allele CA526569177.